The following is an entry in ClinVar:

NM_001379270.1(CNGA1):c.1704_1705insT (p.Leu569fs)

Genes: CNGA1 (cyclic nucleotide gated channel subunit alpha 1; minus strand), LOC101927157 (uncharacterized LOC101927157; plus strand). Cytogenetic location: 4p12.
Variant type: Insertion.
Coding change: c.1704_1705insT on transcript NM_001379270.1 (MANE Select); coding-DNA positions 1704 to 1705, T inserted.
Protein change: p.Leu569fs; shifts the reading frame from leucine 569.
Molecular consequence: frameshift variant.
Genome position: GRCh38 VCF-style: chr4-47936777-G-GA. GRCh37 (hg19) VCF-style: chr4-47938794-G-GA.
Other names: c.1704_1705insT, p.Leu569fs (NM_000087.5, NM_001142564.2); short protein forms L569fs.
Identifiers: ClinVar variation 1065777 (VCV001065777.1), dbSNP rs2110127572, ClinGen allele CA2499217217.

ClinVar aggregate classification (germline): Likely pathogenic (1 of 4 stars; one submission).

Conditions:
Retinitis pigmentosa 49 (RP49). Identifiers: Orphanet 791, MedGen C3151059, MONDO:0013405, OMIM 613756.

Submission:

Ocular Genomics Institute, Massachusetts Eye and Ear
Classification: Likely pathogenic for Retinitis pigmentosa 49. Last evaluated: 2021-04-08. Review status: criteria provided, single submitter. Criteria: ACMG Guidelines, 2015. Collection method: research. Allele origin: germline. Affected: yes.
Comment: Through a review of available evidence we were able to apply the following criteria: PVS1, PM2. Based on this evidence we have classified this variant as Likely Pathogenic.